The following is an entry in ClinVar:

ClinVar aggregate classification (germline): Uncertain significance (1 of 4 stars; one submission).

Conditions:
Glycogen storage disease type III (GSD3). Also called: Cori disease; FORBES DISEASE. Identifiers: Orphanet 366, MedGen C0017922, MONDO:0009291, OMIM 232400.

Submission:

Labcorp Genetics (formerly Invitae), Labcorp
Classification: Uncertain significance for Glycogen storage disease type III. Last evaluated: 2024-04-29. Review status: criteria provided, single submitter. Criteria: Invitae Variant Classification Sherloc (09022015). Collection method: clinical testing. Allele origin: germline.
Comment: This sequence change replaces serine, which is neutral and polar, with cysteine, which is neutral and slightly polar, at codon 327 of the AGL protein (p.Ser327Cys). This variant is not present in population databases (gnomAD no frequency). This variant has not been reported in the literature in individuals affected with AGL-related conditions. ClinVar contains an entry for this variant (Variation ID: 1985315). Advanced modeling of protein sequence and biophysical properties (such as structural, functional, and spatial information, amino acid conservation, physicochemical variation, residue mobility, and thermodynamic stability) performed at Invitae indicates that this missense variant is not expected to disrupt AGL protein function with a negative predictive value of 80%. In summary, the available evidence is currently insufficient to determine the role of this variant in disease. Therefore, it has been classified as a Variant of Uncertain Significance.

NM_000642.3(AGL):c.980C>G (p.Ser327Cys)

Gene: AGL (amylo-alpha-1,6-glucosidase and 4-alpha-glucanotransferase; plus strand). Cytogenetic location: 1p21.2.
Variant type: single nucleotide variant.
Coding change: c.980C>G on transcript NM_000642.3 (MANE Select); coding-DNA position 980, C replaced by G.
Protein change: p.Ser327Cys; replaces serine 327 with cysteine.
Molecular consequence: missense variant.
Genome position (GRCh38, 1-based): chr1:99,874,708, C>G. VCF-style: chr1-99874708-C-G. GRCh37 (hg19) VCF-style: chr1-100340264-C-G.
Other names: c.980C>G, p.Ser327Cys (NM_000028.3, NM_000643.3, NM_000644.3 and 3 more transcripts); c.932C>G, p.Ser311Cys (NM_000646.3); c.776C>G, p.Ser259Cys (NM_001425328.1, NM_001425329.1); c.602C>G, p.Ser201Cys (NM_001425332.1); short protein forms S327C, S311C, S201C, S259C.
Identifiers: ClinVar variation 1985315 (VCV001985315.4), dbSNP rs2524594076, ClinGen allele CA341342954.